The following is an entry in ClinVar:

ClinVar aggregate classification (germline): Uncertain significance (1 of 4 stars; one submission).

Allele frequency attached by ClinVar (database versions not stated): ExAC 0.00001; gnomAD exomes 0.00001; ESP Exome Variant Server 0.00008.
gnomAD v4.1: 16 of 1,613,504 alleles (0.00099%); highest among the groups gnomAD compares: Non-Finnish European, 0.0014%; no homozygotes.

Submission:

Laboratory for Molecular Medicine, Mass General Brigham Personalized Medicine
Classification: Uncertain significance. Last evaluated: 2014-09-25. Review status: criteria provided, single submitter. Criteria: LMM Criteria. Collection method: clinical testing. Allele origin: germline. Observed: 1 variant allele.
Comment: The Thr6008Ile variant in TTN has not been previously reported in individuals wi th cardiomyopathy, but has been identified in 1/8192 European American chromosom es by the NHLBI Exome Sequencing Project (dbS NP rs375714080). Computational prediction tools and conservation analysis do not provide strong support for or against an impact to the protein, though 1 specie s (frog) carries an isoleucine (Ile) at this position raising the possibility th at this change may be tolerated. In summary, the clinical significance of the Th r6008Ile variant is uncertain.

NM_001267550.2(TTN):c.21755C>T (p.Thr7252Ile)

Gene: TTN (titin; minus strand). Cytogenetic location: 2q31.2.
Variant type: single nucleotide variant.
Coding change: c.21755C>T on transcript NM_001267550.2 (MANE Select); coding-DNA position 21755, C replaced by T.
Protein change: p.Thr7252Ile; replaces threonine 7252 with isoleucine.
Molecular consequence: missense variant. On other transcripts: intron variant (3).
Genome position (GRCh38, 1-based): chr2:178,723,252, G>A on the plus strand (C>T on the coding strand, the complement: TTN is on the minus strand). VCF-style: chr2-178723252-G-A. GRCh37 (hg19) VCF-style: chr2-179587979-G-A.
Other names: c.18023C>T, p.Thr6008Ile (NM_133378.4); c.20804C>T, p.Thr6935Ile (NM_001256850.1); c.13282+14830C>T (NM_003319.4); c.13858+14830C>T (NM_133437.4); c.13657+14830C>T (NM_133432.3); short protein forms T6008I, T7252I, T6935I.
Identifiers: ClinVar variation 178241 (VCV000178241.5), dbSNP rs375714080, ClinGen allele CA181888.
Genomic context (GRCh38, chr2:178,723,252, plus strand): 5'-GTAGTTATGTTAAAACCATCCTTTTTCCAAGTGACAGAAATTGGAAGTGTTCCAGTGTAG[G>A]TGCTCTCCAGAATTATGGACTTCCCTGGTTCTACAGAATGATCACTTAATCTCTTCAAAA-3'
Protein context (NP_001254479.2, residues 7242-7262): EPGKSIILES[Thr7252Ile]YTGTLPISVT